The following is an entry in ClinVar:

NM_000038.6(APC):c.6687A>T (p.Thr2229=)

Gene: APC (APC regulator of Wnt signaling pathway; plus strand). Cytogenetic location: 5q22.2.
Variant type: single nucleotide variant.
Coding change: c.6687A>T on transcript NM_000038.6 (MANE Select); coding-DNA position 6687, A replaced by T.
Protein change: p.Thr2229=; no amino-acid change (threonine 2229 retained).
Molecular consequence: synonymous variant.
Genome position (GRCh38, 1-based): chr5:112,842,281, A>T. VCF-style: chr5-112842281-A-T. GRCh37 (hg19) VCF-style: chr5-112177978-A-T.
Other names: c.6687A>T, p.Thr2229= (NM_001127510.3, NM_001354895.2); c.6633A>T, p.Thr2211= (NM_001127511.3); c.6741A>T, p.Thr2247= (NM_001354896.2); c.6717A>T, p.Thr2239= (NM_001354897.2); c.6612A>T, p.Thr2204= (NM_001354898.2); c.6603A>T, p.Thr2201= (NM_001354899.2); c.6564A>T, p.Thr2188= (NM_001354900.2); c.6510A>T, p.Thr2170= (NM_001354901.2); and 5 more.
Identifiers: ClinVar variation 1595377 (VCV001595377.9), dbSNP rs2149970679, ClinGen allele CA446209926.

ClinVar aggregate classification (germline): Benign/Likely benign. Review status: criteria provided, multiple submitters, no conflicts (2 of 4 stars). 2 submissions from 2 submitters: Benign (1); Likely benign (1). Last evaluated 2024-04-05.

Conditions:
Familial adenomatous polyposis 1 (FAP1). Also called: POLYPOSIS, ADENOMATOUS INTESTINAL; FAMILIAL ADENOMATOUS POLYPOSIS 1, ATTENUATED. Identifiers: MedGen C2713442, MONDO:0021056, OMIM 175100. Disease mechanism: loss of function.

Submissions (2):

Myriad Genetics, Inc.
Classification: Benign for Familial adenomatous polyposis 1. Last evaluated: 2024-04-05. Review status: criteria provided, single submitter. Criteria: Myriad Autosomal Dominant, Autosomal Recessive and X-Linked Classification Criteria (2023). Collection method: clinical testing. Allele origin: unknown.
Comment: This variant is considered benign. This variant is a silent/synonymous amino acid change and it is not expected to impact splicing.

Labcorp Genetics (formerly Invitae), Labcorp
Classification: Likely benign for Familial adenomatous polyposis 1. Last evaluated: 2022-01-26. Review status: criteria provided, single submitter. Criteria: Invitae Variant Classification Sherloc (09022015). Collection method: clinical testing. Allele origin: germline.